The following is an entry in ClinVar:

NM_001903.5(CTNNA1):c.2189_2192+6del

Gene: CTNNA1 (catenin alpha 1; plus strand). Cytogenetic location: 5q31.2.
Variant type: Deletion.
Coding change: c.2189_2192+6del on transcript NM_001903.5 (MANE Select); coding-DNA position 2189 through 6 bases into the intron after coding-DNA position 2192, 10 bases deleted (CCCGGTGAGC; older notation c.2189_2192+6delCCCGGTGAGC).
Molecular consequence: splice donor variant.
Genome position (GRCh38, 1-based): chr5:138,930,651-138,930,660, CCCGGTGAGC deleted. VCF-style (leftmost placement, unchanged base first): chr5-138930650-ACCCGGTGAGC-A. GRCh37 (hg19) VCF-style: chr5-138266339-ACCCGGTGAGC-A.
Other names: c.2189_2192+6del (NM_001323982.2, NM_001323984.2, NM_001290307.3 and 2 more transcripts); c.2096_2099+6del (NM_001323986.2); c.1820_1823+6del (NM_001290310.3); c.1880_1883+6del (NM_001290309.3); c.1079_1082+6del (NM_001323996.1, NM_001323993.1, NM_001324005.1 and 17 more transcripts); c.740_743+6del (NM_001324007.1, NM_001324009.1, NM_001324006.1 and 2 more transcripts); c.836_839+6del (NM_001324013.1, NM_001324012.1); c.986_989+6del (NM_001324011.1).
Identifiers: ClinVar variation 1478416 (VCV001478416.6), dbSNP rs2150335211, ClinGen allele CA2573139157.

ClinVar aggregate classification (germline): Likely pathogenic (1 of 4 stars; one submission).

Submission:

Labcorp Genetics (formerly Invitae), Labcorp
Classification: Likely pathogenic. Last evaluated: 2023-05-15. Review status: criteria provided, single submitter. Criteria: Invitae Variant Classification Sherloc (09022015). Collection method: clinical testing. Allele origin: germline.
Comment: In summary, the currently available evidence indicates that the variant is pathogenic, but additional data are needed to prove that conclusively. Therefore, this variant has been classified as Likely Pathogenic. Algorithms developed to predict the effect of sequence changes on RNA splicing suggest that this variant may disrupt the consensus splice site. ClinVar contains an entry for this variant (Variation ID: 1478416). This variant has not been reported in the literature in individuals affected with CTNNA1-related conditions. This variant is not present in population databases (gnomAD no frequency). This variant results in the deletion of part of exon 15 of the CTNNA1 gene. It is expected to disrupt RNA splicing. Variants that disrupt the donor or acceptor splice site typically lead to a loss of protein function (PMID: 16199547), and loss-of-function variants in CTNNA1 are known to be pathogenic (PMID: 32051609, 34425242).

Literature cited by the submitters: PubMed 16199547; PubMed 32051609; PubMed 34425242.